The following is an entry in ClinVar:

ClinVar aggregate classification (germline): Pathogenic (1 of 4 stars; one submission).

Conditions:
Methylcobalamin deficiency type cblE (HMAE). Also called: HOMOCYSTINURIA-MEGALOBLASTIC ANEMIA, cblE TYPE; VITAMIN B12-RESPONSIVE HOMOCYSTINURIA, cblE TYPE; HOMOCYSTINURIA-MEGALOBLASTIC ANEMIA, cblE COMPLEMENTATION TYPE. Identifiers: Orphanet 2169, Orphanet 622, MedGen C1856057, MONDO:0009354, OMIM 236270.

Submission:

Labcorp Genetics (formerly Invitae), Labcorp
Classification: Pathogenic for Methylcobalamin deficiency type cblE. Last evaluated: 2020-04-26. Review status: criteria provided, single submitter. Criteria: Invitae Variant Classification Sherloc (09022015). Collection method: clinical testing. Allele origin: germline.
Comment: This sequence change creates a premature translational stop signal (p.Leu240Glufs*48) in the MTRR gene. It is expected to result in an absent or disrupted protein product. This variant is not present in population databases (ExAC no frequency). This variant has not been reported in the literature in individuals with MTRR-related conditions. Loss-of-function variants in MTRR are known to be pathogenic (PMID: 15714522). For these reasons, this variant has been classified as Pathogenic.

Literature cited by the submitters: PubMed 15714522.

NM_002454.3(MTRR):c.718_719del (p.Leu240fs)

Gene: MTRR (5-methyltetrahydrofolate-homocysteine methyltransferase reductase; plus strand). Cytogenetic location: 5p15.31.
Variant type: Microsatellite.
Coding change: c.718_719del on transcript NM_002454.3 (MANE Select); coding-DNA positions 718 to 719, 2 bases deleted (CT; older notation c.718_719delCT).
Protein change: p.Leu240fs; shifts the reading frame from leucine 240.
Molecular consequence: frameshift variant. On other transcripts: non-coding transcript variant (14).
Genome position (GRCh38, 1-based): chr5:7,878,260-7,878,261, CT deleted; deleting any 2 consecutive bases within chr5:7,878,256-7,878,261 gives the same sequence; the c. name uses the placement nearest the transcript's 3' end. VCF-style (leftmost placement, unchanged base first): chr5-7878255-CCT-C. GRCh37 (hg19) VCF-style: chr5-7878368-CCT-C.
Other names: c.718_719del, p.Leu240fs (NM_001364440.2, NM_001364441.2, NM_001364442.2 and 1 more transcripts); short protein forms L240fs.
Identifiers: ClinVar variation 1068644 (VCV001068644.7), dbSNP rs1207820860, ClinGen allele CA557860604.